The following is an entry in ClinVar:

NM_004369.4(COL6A3):c.7913T>C (p.Met2638Thr)

Gene: COL6A3 (collagen type VI alpha 3 chain; minus strand). Cytogenetic location: 2q37.3.
Variant type: single nucleotide variant.
Coding change: c.7913T>C on transcript NM_004369.4 (MANE Select); coding-DNA position 7913, T replaced by C.
Protein change: p.Met2638Thr; replaces methionine 2638 with threonine.
Molecular consequence: missense variant.
Genome position (GRCh38, 1-based): chr2:237,341,003, A>G on the plus strand (T>C on the coding strand, the complement: COL6A3 is on the minus strand). VCF-style: chr2-237341003-A-G. GRCh37 (hg19) VCF-style: chr2-238249646-A-G.
Other names: c.6092T>C, p.Met2031Thr (NM_057166.5); c.7295T>C, p.Met2432Thr (NM_057167.4); short protein forms M2031T, M2432T, M2638T.
Identifiers: ClinVar variation 1056272 (VCV001056272.9), dbSNP rs2106320038, ClinGen allele CA351197279.

ClinVar aggregate classification (germline): Uncertain significance (1 of 4 stars; one submission).

Conditions:
Bethlem myopathy 1A. Also called: Bethlem Muscular Dystrophy; MYOPATHY, BENIGN CONGENITAL, WITH CONTRACTURES; Bethlem myopathy 1. Identifiers: Orphanet 610, MedGen CN029274, MONDO:0024530, OMIM 158810.

Submission:

Labcorp Genetics (formerly Invitae), Labcorp
Classification: Uncertain significance for Bethlem myopathy 1A. Last evaluated: 2022-06-13. Review status: criteria provided, single submitter. Criteria: Invitae Variant Classification Sherloc (09022015). Collection method: clinical testing. Allele origin: germline.
Comment: This variant is not present in population databases (gnomAD no frequency). In summary, the available evidence is currently insufficient to determine the role of this variant in disease. Therefore, it has been classified as a Variant of Uncertain Significance. Advanced modeling of protein sequence and biophysical properties (such as structural, functional, and spatial information, amino acid conservation, physicochemical variation, residue mobility, and thermodynamic stability) performed at Invitae indicates that this missense variant is not expected to disrupt COL6A3 protein function. ClinVar contains an entry for this variant (Variation ID: 1056272). This variant has not been reported in the literature in individuals affected with COL6A3-related conditions. This sequence change replaces methionine, which is neutral and non-polar, with threonine, which is neutral and polar, at codon 2638 of the COL6A3 protein (p.Met2638Thr).